The following is an entry in ClinVar:

ClinVar aggregate classification (germline): Uncertain significance. Review status: criteria provided, multiple submitters, no conflicts (2 of 4 stars). 2 submissions from 2 submitters: Uncertain significance (2). Last evaluated 2025-04-02.

Conditions:
Hereditary cancer-predisposing syndrome. Also called: Tumor predisposition; Neoplastic Syndromes, Hereditary; Hereditary Cancer Syndrome; Hereditary neoplastic syndrome. Identifiers: Orphanet 140162, MedGen C0027672, MeSH D009386, MONDO:0015356.

Submissions (2):

Ambry Genetics
Classification: Uncertain significance for Hereditary cancer-predisposing syndrome. Last evaluated: 2025-04-02. Review status: criteria provided, single submitter. Criteria: Ambry Variant Classification Scheme 2023. Collection method: clinical testing. Allele origin: germline.

Labcorp Genetics (formerly Invitae), Labcorp
Classification: Uncertain significance. Last evaluated: 2024-03-16. Review status: criteria provided, single submitter. Criteria: Invitae Variant Classification Sherloc (09022015). Collection method: clinical testing. Allele origin: germline.
Comment: This sequence change replaces histidine, which is basic and polar, with proline, which is neutral and non-polar, at codon 1088 of the MSH3 protein (p.His1088Pro). This variant is not present in population databases (gnomAD no frequency). This variant has not been reported in the literature in individuals affected with MSH3-related conditions. An algorithm developed to predict the effect of missense changes on protein structure and function (PolyPhen-2) suggests that this variant is likely to be tolerated. In summary, the available evidence is currently insufficient to determine the role of this variant in disease. Therefore, it has been classified as a Variant of Uncertain Significance.

NM_002439.5(MSH3):c.3263A>C (p.His1088Pro)

Gene: MSH3 (mutS homolog 3; plus strand). Cytogenetic location: 5q14.1.
Variant type: single nucleotide variant.
Coding change: c.3263A>C on transcript NM_002439.5 (MANE Select); coding-DNA position 3263, A replaced by C.
Protein change: p.His1088Pro; replaces histidine 1088 with proline.
Molecular consequence: missense variant.
Genome position (GRCh38, 1-based): chr5:80,873,248, A>C. VCF-style: chr5-80873248-A-C. GRCh37 (hg19) VCF-style: chr5-80169067-A-C.
Other names: c.3263A>C (NM_002439.3); short protein forms H1088P.
Identifiers: ClinVar variation 3689142 (VCV003689142.3).